The following is an entry in ClinVar:

NM_004360.5(CDH1):c.2296-19C>T

Gene: CDH1 (cadherin 1; plus strand). Cytogenetic location: 16q22.1.
Variant type: single nucleotide variant.
Coding change: c.2296-19C>T on transcript NM_004360.5 (MANE Select); 19 bases into the intron before coding-DNA position 2296, C replaced by T.
Molecular consequence: intron variant.
Genome position (GRCh38, 1-based): chr16:68,829,635, C>T. VCF-style: chr16-68829635-C-T. GRCh37 (hg19) VCF-style: chr16-68863538-C-T.
Other names: c.748-19C>T (NM_001317185.2); c.331-19C>T (NM_001317186.2); c.2113-19C>T (NM_001317184.2); c.2296-19C>T (LRG_301t1).
Identifiers: ClinVar variation 390812 (VCV000390812.12), dbSNP rs764266486, ClinGen allele CA8130252.

ClinVar aggregate classification (germline): Likely benign. Review status: criteria provided, multiple submitters, no conflicts (2 of 4 stars). 4 submissions from 4 submitters: Likely benign (4). Last evaluated 2025-07-29.

Conditions:
Hereditary cancer-predisposing syndrome. Also called: Neoplastic Syndromes, Hereditary; Hereditary neoplastic syndrome; Tumor predisposition; Hereditary Cancer Syndrome. Identifiers: Orphanet 140162, MedGen C0027672, MeSH D009386, MONDO:0015356.
Hereditary diffuse gastric adenocarcinoma (HDGC). Also called: DIFFUSE GASTRIC AND LOBULAR BREAST CANCER SYNDROME. Identifiers: Orphanet 26106, MedGen C1708349, MONDO:0007648, OMIM 137215.

Allele frequency attached by ClinVar (database versions not stated): gnomAD exomes below 0.00001 and 0.00001; ExAC 0.00001.
gnomAD v4.1: 5 of 1,613,650 alleles (0.00031%); highest among the groups gnomAD compares: Non-Finnish European, 0.00034%; no homozygotes.

Submissions (4):

Labcorp Genetics (formerly Invitae), Labcorp
Classification: Likely benign for Hereditary diffuse gastric adenocarcinoma. Last evaluated: 2025-07-29. Review status: criteria provided, single submitter. Criteria: Invitae Variant Classification Sherloc (09022015). Collection method: clinical testing. Allele origin: germline.

Myriad Genetics, Inc.
Classification: Likely benign for Hereditary diffuse gastric adenocarcinoma. Last evaluated: 2024-09-23. Review status: criteria provided, single submitter. Criteria: Myriad Autosomal Dominant, Autosomal Recessive and X-Linked Classification Criteria (2023). Collection method: clinical testing. Allele origin: unknown.
Comment: This variant is considered likely benign. This variant is intronic and is not expected to impact mRNA splicing.

GeneDx
Classification: Likely benign. Last evaluated: 2016-11-07. Review status: criteria provided, single submitter. Criteria: GeneDx Variant Classification (06012015). Collection method: clinical testing. Allele origin: germline. Affected: yes.
Comment: This variant is considered likely benign or benign based on one or more of the following criteria: it is a conservative change, it occurs at a poorly conserved position in the protein, it is predicted to be benign by multiple in silico algorithms, and/or has population frequency not consistent with disease.

Color Diagnostics, LLC DBA Color Health
Classification: Likely benign for Hereditary cancer-predisposing syndrome. Last evaluated: 2015-11-24. Review status: criteria provided, single submitter. Criteria: ACMG Guidelines, 2015. Collection method: clinical testing. Allele origin: germline.